The following is an entry in ClinVar:

NM_025144.4(ALPK1):c.3125A>G (p.Lys1042Arg)

Gene: ALPK1 (alpha kinase 1; plus strand). Cytogenetic location: 4q25.
Variant type: single nucleotide variant.
Coding change: c.3125A>G on transcript NM_025144.4 (MANE Select); coding-DNA position 3125, A replaced by G.
Protein change: p.Lys1042Arg; replaces lysine 1042 with arginine.
Molecular consequence: missense variant.
Genome position (GRCh38, 1-based): chr4:112,435,238, A>G. VCF-style: chr4-112435238-A-G. GRCh37 (hg19) VCF-style: chr4-113356394-A-G.
Other names: c.3125A>G, p.Lys1042Arg (NM_001102406.2); c.2891A>G, p.Lys964Arg (NM_001253884.2); short protein forms K964R, K1042R.
Identifiers: ClinVar variation 2984226 (VCV002984226.3), dbSNP rs2476511953, ClinGen allele CA357904480.
Genomic context (GRCh38, chr4:112,435,238, plus strand): 5'-CTGAACTGTGGACGGCCCAGGAAACTATTGTCTATTTGGGGGACTACTTGACTGTGAAGA[A>G]AAAAGGCAGACAAAGAAATGCTTTTTGGGTTCATCATCTTCATCAAGAAGAAATTCTGGG-3'
Protein context (NP_079420.3, residues 1032-1052): VYLGDYLTVK[Lys1042Arg]KGRQRNAFWV

ClinVar aggregate classification (germline): Uncertain significance (1 of 4 stars; one submission).

Allele frequency attached by ClinVar (database versions not stated): gnomAD exomes below 0.00001.
gnomAD v4.1: 1 of 1,613,892 alleles (0.000062%); highest among the groups gnomAD compares: Non-Finnish European, 0.000085%; no homozygotes.

Submission:

Labcorp Genetics (formerly Invitae), Labcorp
Classification: Uncertain significance. Last evaluated: 2022-12-13. Review status: criteria provided, single submitter. Criteria: Invitae Variant Classification Sherloc (09022015). Collection method: clinical testing. Allele origin: germline.
Comment: This sequence change replaces lysine, which is basic and polar, with arginine, which is basic and polar, at codon 1042 of the ALPK1 protein (p.Lys1042Arg). This variant is not present in population databases (gnomAD no frequency). This variant has not been reported in the literature in individuals affected with ALPK1-related conditions. Advanced modeling of protein sequence and biophysical properties (such as structural, functional, and spatial information, amino acid conservation, physicochemical variation, residue mobility, and thermodynamic stability) performed at Invitae indicates that this missense variant is expected to disrupt ALPK1 protein function. In summary, the available evidence is currently insufficient to determine the role of this variant in disease. Therefore, it has been classified as a Variant of Uncertain Significance.